The following is an entry in ClinVar:

NM_000095.3(COMP):c.1366C>T (p.Gln456Ter)

Gene: COMP (cartilage oligomeric matrix protein; minus strand). Cytogenetic location: 19p13.11.
Variant type: single nucleotide variant.
Coding change: c.1366C>T on transcript NM_000095.3 (MANE Select); coding-DNA position 1366, C replaced by T.
Protein change: p.Gln456Ter; replaces glutamine 456 with a stop codon.
Molecular consequence: nonsense.
Genome position (GRCh38, 1-based): chr19:18,786,088, G>A on the plus strand (C>T on the coding strand, the complement: COMP is on the minus strand). VCF-style: chr19-18786088-G-A. GRCh37 (hg19) VCF-style: chr19-18896898-G-A.
Other names: short protein forms Q456*.
Identifiers: ClinVar variation 4729977 (VCV004729977.1).

ClinVar aggregate classification (germline): Uncertain significance (1 of 4 stars; one submission).

Submission:

Labcorp Genetics (formerly Invitae), Labcorp
Classification: Uncertain significance. Last evaluated: 2025-11-02. Review status: criteria provided, single submitter. Criteria: Invitae Variant Classification Sherloc (09022015). Collection method: clinical testing. Allele origin: germline.
Comment: This sequence change creates a premature translational stop signal (p.Gln456*) in the COMP gene. It is expected to result in an absent or disrupted protein product. However, the current clinical and genetic evidence is not sufficient to establish whether loss-of-function variants in COMP cause disease. This variant is not present in population databases (gnomAD no frequency). This variant has not been reported in the literature in individuals affected with COMP-related conditions. In summary, the available evidence is currently insufficient to determine the role of this variant in disease. Therefore, it has been classified as a Variant of Uncertain Significance.